The following is an entry in ClinVar:

NM_024675.4(PALB2):c.1878A>G (p.Lys626=)

Gene: PALB2 (partner and localizer of BRCA2; minus strand). Cytogenetic location: 16p12.2.
Variant type: single nucleotide variant.
Coding change: c.1878A>G on transcript NM_024675.4 (MANE Select); coding-DNA position 1878, A replaced by G.
Protein change: p.Lys626=; no amino-acid change (lysine 626 retained).
Molecular consequence: synonymous variant.
Genome position (GRCh38, 1-based): chr16:23,630,276, T>C on the plus strand (A>G on the coding strand, the complement: PALB2 is on the minus strand). VCF-style: chr16-23630276-T-C. GRCh37 (hg19) VCF-style: chr16-23641597-T-C.
Identifiers: ClinVar variation 629557 (VCV000629557.14), dbSNP rs1567218624, ClinGen allele CA494461216.

ClinVar aggregate classification (germline): Conflicting classifications of pathogenicity. Review status: criteria provided, conflicting classifications (1 of 4 stars). 3 submissions from 3 submitters: Uncertain significance (1); Likely benign (2). Last evaluated 2021-01-14.

Conditions:
Familial cancer of breast. Also called: BREAST CANCER, FAMILIAL; Hereditary breast cancer; hereditary breast carcinoma. Identifiers: Orphanet 227535, MedGen C0346153, MONDO:0016419, OMIM 114480. Disease mechanism: loss of function.
Hereditary cancer-predisposing syndrome. Also called: Neoplastic Syndromes, Hereditary; Tumor predisposition; Hereditary neoplastic syndrome; Hereditary Cancer Syndrome. Identifiers: Orphanet 140162, MedGen C0027672, MeSH D009386, MONDO:0015356.

Allele frequency attached by ClinVar (database versions not stated): gnomAD exomes below 0.00001.
gnomAD v4.1: 4 of 1,614,172 alleles (0.00025%); highest among the groups gnomAD compares: Non-Finnish European, 0.00034%; no homozygotes.

Submissions (3):

Labcorp Genetics (formerly Invitae), Labcorp
Classification: Likely benign for Familial cancer of breast. Last evaluated: 2021-01-14. Review status: criteria provided, single submitter. Criteria: Invitae Variant Classification Sherloc (09022015). Collection method: clinical testing. Allele origin: germline.

Ambry Genetics
Classification: Uncertain significance for Hereditary cancer-predisposing syndrome. Last evaluated: 2020-08-27. Review status: criteria provided, single submitter. Criteria: Ambry Variant Classification Scheme 2023. Collection method: clinical testing. Allele origin: germline.
Comment: The c.1878A>G variant (also known as p.K626K) is located in coding exon 5 of the PALB2 gene. This variant results from an A to G substitution at nucleotide position 1878. This nucleotide substitution does not change the lysine at codon 626. This nucleotide position is conserved on limited sequence alignment. In silico splice site analysis for this alteration is inconclusive. Since supporting evidence is limited at this time, the clinical significance of this alteration remains unclear.

Color Diagnostics, LLC DBA Color Health
Classification: Likely benign for Hereditary cancer-predisposing syndrome. Last evaluated: 2018-10-20. Review status: criteria provided, single submitter. Criteria: ACMG Guidelines, 2015. Collection method: clinical testing. Allele origin: germline.